The following is an entry in ClinVar:

NM_001211.6(BUB1B):c.3136G>C (p.Ala1046Pro)

Genes: BUB1B (BUB1 mitotic checkpoint serine/threonine kinase B; plus strand), BUB1B-PAK6 (BUB1B-PAK6 readthrough; plus strand). Cytogenetic location: 15q15.1.
Variant type: single nucleotide variant.
Coding change: c.3136G>C on transcript NM_001211.6 (MANE Select); coding-DNA position 3136, G replaced by C.
Protein change: p.Ala1046Pro; replaces alanine 1046 with proline.
Molecular consequence: missense variant. On other transcripts: intron variant (2).
Genome position (GRCh38, 1-based): chr15:40,220,742, G>C. VCF-style: chr15-40220742-G-C. GRCh37 (hg19) VCF-style: chr15-40512943-G-C.
Other names: c.-201+3075G>C (NM_001128628.3); c.-118+3075G>C (NM_001128629.3); short protein forms A1046P.
Identifiers: ClinVar variation 1728016 (VCV001728016.6), dbSNP rs554186151, ClinGen allele CA391690574.

ClinVar aggregate classification (germline): Uncertain significance. Review status: criteria provided, multiple submitters, no conflicts (2 of 4 stars). 3 submissions from 3 submitters: Uncertain significance (3). Last evaluated 2026-02-20.

Conditions:
Inborn genetic diseases. Identifiers: MedGen C0950123, MeSH D030342.
Mosaic variegated aneuploidy syndrome 1 (MVA1). Also called: Warburton-Anyane-Yeboa syndrome. Identifiers: Orphanet 1052, MedGen C1850343, MONDO:0009759, OMIM 257300.

gnomAD v4.1: 2 of 1,614,002 alleles (0.00012%); highest among the groups gnomAD compares: Non-Finnish European, 0.00017%; no homozygotes.

Submissions (3):

St. Jude Molecular Pathology, St. Jude Children's Research Hospital
Classification: Uncertain significance for Mosaic variegated aneuploidy syndrome 1. Last evaluated: 2026-02-20. Review status: criteria provided, single submitter. Criteria: St. Jude Assertion Criteria 2020. Collection method: clinical testing. Allele origin: germline.
Comment: the BUB1B gene are associated with mosaic variegated aneuploidy (MVA) syndrome, a rare disorder characterized by a broad spectrum of congenital abnormalities including growth retardation, microcephaly, and dev elopmental delay. Individuals with MVA also have an increased risk of childhood cancers including Wilms tumor, rhabdomyosarcoma, acute lymphoblastic leukemia, and granulosa cell malignant tumor of the ovary (OMIM ID: 257300). The BUB1B c.3136G>C p.(Ala10 46Pro) missense is absent in gnomAD v2.1.1. The in silico tool REVEL predicts a benign effect on protein function, but to our knowledge this prediction has not been confirmed by functional studies. To our knowledge, t his variant has not been reported in individuals with mosaic variegated aneuploidy syndrome. In summary, the evidence currently available is insufficient to determine the role of this variant in mosaic variegated aneuploidy syndrome. It has therefore bee n classified as of uncertain significance.

Ambry Genetics
Classification: Uncertain significance for Inborn genetic diseases. Last evaluated: 2025-09-01. Review status: criteria provided, single submitter. Criteria: Ambry Variant Classification Scheme 2023. Collection method: clinical testing. Allele origin: germline.
Comment: The p.A1046P variant (also known as c.3136G>C), located in coding exon 23 of the BUB1B gene, results from a G to C substitution at nucleotide position 3136. The alanine at codon 1046 is replaced by proline, an amino acid with highly similar properties. This amino acid position is conserved. In addition, the in silico prediction for this alteration is inconclusive. Since supporting evidence is limited at this time, the clinical significance of this alteration remains unclear.

Labcorp Genetics (formerly Invitae), Labcorp
Classification: Uncertain significance for Mosaic variegated aneuploidy syndrome 1. Last evaluated: 2024-04-04. Review status: criteria provided, single submitter. Criteria: Invitae Variant Classification Sherloc (09022015). Collection method: clinical testing. Allele origin: germline.
Comment: This sequence change replaces alanine, which is neutral and non-polar, with proline, which is neutral and non-polar, at codon 1046 of the BUB1B protein (p.Ala1046Pro). This variant is not present in population databases (gnomAD no frequency). This variant has not been reported in the literature in individuals affected with BUB1B-related conditions. ClinVar contains an entry for this variant (Variation ID: 1728016). An algorithm developed to predict the effect of missense changes on protein structure and function (PolyPhen-2) suggests that this variant is likely to be disruptive. In summary, the available evidence is currently insufficient to determine the role of this variant in disease. Therefore, it has been classified as a Variant of Uncertain Significance.